The following is an entry in ClinVar:

NM_001364857.2(ADGRB2):c.2372C>T (p.Thr791Met)

Genes: ADGRB2 (adhesion G protein-coupled receptor B2; minus strand), LOC129929996 (ATAC-STARR-seq lymphoblastoid silent region 573; plus strand). Cytogenetic location: 1p35.2.
Variant type: single nucleotide variant.
Coding change: c.2372C>T on transcript NM_001364857.2 (MANE Select); coding-DNA position 2372, C replaced by T.
Protein change: p.Thr791Met; replaces threonine 791 with methionine.
Molecular consequence: missense variant.
Genome position (GRCh38, 1-based): chr1:31,739,431, G>A on the plus strand (C>T on the coding strand, the complement: ADGRB2 is on the minus strand). VCF-style: chr1-31739431-G-A. GRCh37 (hg19) VCF-style: chr1-32205032-G-A.
Other names: c.2372C>T, p.Thr791Met (NM_001294335.2, NM_001294336.2); short protein forms T791M.
Identifiers: ClinVar variation 4692157 (VCV004692157.1).
Genomic context (GRCh38, chr1:31,739,431, plus strand): 5'-GACTCATCAGGGTCTGCTGGGAGGAGGCGCTGGTGGGAGTGGCCTGGGCCAGGAGGCACC[G>A]TTCCTGGGCCCCTCCCCCTGCCAGGGCTGCCTGCTGCCCCAGATGTGGCTGGCTTCCCTG-3'
Protein context (NP_001351786.1, residues 781-801): GSPGRGRGPG[Thr791Met]VPPGPGHSHQ

ClinVar aggregate classification (germline): Uncertain significance (1 of 4 stars; one submission).

gnomAD v4.1: 23 of 1,583,598 alleles (0.0015%); highest among the groups gnomAD compares: Middle Eastern, 0.017%; no homozygotes.

Submission:

Labcorp Genetics (formerly Invitae), Labcorp
Classification: Uncertain significance. Last evaluated: 2025-10-05. Review status: criteria provided, single submitter. Criteria: Invitae Variant Classification Sherloc (09022015). Collection method: clinical testing. Allele origin: germline.
Comment: This sequence change replaces threonine, which is neutral and polar, with methionine, which is neutral and non-polar, at codon 791 of the ADGRB2 protein (p.Thr791Met). The frequency data for this variant in the population databases is considered unreliable, as metrics indicate poor data quality at this position in the gnomAD database. This variant has not been reported in the literature in individuals affected with ADGRB2-related conditions. An algorithm developed to predict the effect of missense changes on protein structure and function (PolyPhen-2) suggests that this variant is likely to be tolerated. In summary, the available evidence is currently insufficient to determine the role of this variant in disease. Therefore, it has been classified as a Variant of Uncertain Significance.